The following is an entry in ClinVar:

NM_198578.4(LRRK2):c.4010T>C (p.Leu1337Pro)

Gene: LRRK2 (leucine rich repeat kinase 2; plus strand). Cytogenetic location: 12q12.
Variant type: single nucleotide variant.
Coding change: c.4010T>C on transcript NM_198578.4 (MANE Select); coding-DNA position 4010, T replaced by C.
Protein change: p.Leu1337Pro; replaces leucine 1337 with proline.
Molecular consequence: missense variant.
Genome position (GRCh38, 1-based): chr12:40,308,517, T>C. VCF-style: chr12-40308517-T-C. GRCh37 (hg19) VCF-style: chr12-40702319-T-C.
Other names: short protein forms L1337P.
Identifiers: ClinVar variation 2453119 (VCV002453119.2), dbSNP rs2499812031, ClinGen allele CA384417558.

ClinVar aggregate classification (germline): Uncertain significance (1 of 4 stars; one submission).

Conditions:
Inborn genetic diseases. Identifiers: MedGen C0950123, MeSH D030342.

Submission:

Ambry Genetics
Classification: Uncertain significance for Inborn genetic diseases. Last evaluated: 2023-02-23. Review status: criteria provided, single submitter. Criteria: Ambry Variant Classification Scheme 2023. Collection method: clinical testing. Allele origin: germline.
Comment: The p.L1337P variant (also known as c.4010T>C), located in coding exon 29 of the LRRK2 gene, results from a T to C substitution at nucleotide position 4010. The leucine at codon 1337 is replaced by proline, an amino acid with similar properties. This amino acid position is conserved. In addition, this alteration is predicted to be deleterious by in silico analysis. Since supporting evidence is limited at this time, the clinical significance of this alteration remains unclear.